The following is an entry in ClinVar:

ClinVar aggregate classification (germline): Uncertain significance (1 of 4 stars; one submission).

Submission:

Women's Health and Genetics/Laboratory Corporation of America, LabCorp
Classification: Uncertain significance. Last evaluated: 2020-04-27. Review status: criteria provided, single submitter. Criteria: LabCorp Variant Classification Summary - May 2015. Collection method: clinical testing. Allele origin: germline.
Comment: Variant summary: LZTR1 c.1735_1785+8dup59 alters nucleotide sequence located close to a canonical splice site and therefore could affect mRNA splicing, leading to a significantly altered protein sequence. Several computational tools predict a significant impact on normal splicing: Four predict the variant creates a cryptic intronic 5' donor site. However, these predictions have yet to be confirmed by functional studies. The variant was absent in 250314 control chromosomes (gnomAD). The available data on variant occurrences in the general population are insufficient to allow any conclusion about variant significance. To our knowledge, no occurrence of c.1735_1785+8dup59 in individuals affected with Noonan Syndrome And Related Conditions and no experimental evidence demonstrating its impact on protein function have been reported. No clinical diagnostic laboratories have submitted clinical-significance assessments for this variant to ClinVar after 2014. Based on the evidence outlined above, the variant was classified as uncertain significance.

NM_006767.4(LZTR1):c.1735_1785+8dup

Gene: LZTR1 (leucine zipper like transcription regulator 1; plus strand). Cytogenetic location: 22q11.21.
Variant type: Duplication.
Coding change: c.1735_1785+8dup on transcript NM_006767.4 (MANE Select); coding-DNA position 1735 through 8 bases into the intron after coding-DNA position 1785, 59 bases duplicated.
Molecular consequence: splice donor variant.
Genome position (GRCh38, 1-based): chr22:20,994,677-20,994,735, 59 bases duplicated. GRCh37 (hg19): chr22:21,348,966-21,349,024.
Identifiers: ClinVar variation 917811 (VCV000917811.1), dbSNP rs1924758509, ClinGen allele CA1139666977.